The following is an entry in ClinVar:

ClinVar aggregate classification (germline): Likely pathogenic (1 of 4 stars; one submission).

Conditions:
Neurodevelopmental disorder with hypotonia, language delay, and skeletal defects with or without seizures (NEDHLSS). Identifiers: MedGen C5774213, MONDO:0859286, OMIM 620029.

Submission:

MVZ Medizinische Genetik Mainz
Classification: Likely pathogenic for Neurodevelopmental disorder with hypotonia, language delay, and skeletal defects with or without seizures. Last evaluated: 2025-01-08. Review status: criteria provided, single submitter. Criteria: UK Practice Guidelines For Variant Classification V4 01 2020. Collection method: clinical testing. Allele origin: germline. Inheritance: Autosomal dominant inheritance. Affected: yes. Observed: 1 variant allele.
Comment: ACMG Criteria: PVS1_STR,PS1_MOD,PM2_SUP

NM_000719.7(CACNA1C):c.1517G>A (p.Trp506Ter)

Gene: CACNA1C (calcium voltage-gated channel subunit alpha1 C; plus strand). Cytogenetic location: 12p13.33.
Variant type: single nucleotide variant.
Coding change: c.1517G>A on transcript NM_000719.7 (MANE Select); coding-DNA position 1517, G replaced by A.
Protein change: p.Trp506Ter; replaces tryptophan 506 with a stop codon.
Molecular consequence: nonsense.
Genome position (GRCh38, 1-based): chr12:2,566,430, G>A. VCF-style: chr12-2566430-G-A. GRCh37 (hg19) VCF-style: chr12-2675596-G-A.
Other names: c.1517G>A, p.Trp506Ter (NM_001129827.2, NM_001129829.2, NM_001129830.3 and 18 more transcripts); c.1508G>A, p.Trp503Ter (NM_001129844.2); short protein forms W503*, W506*.
Identifiers: ClinVar variation 3601972 (VCV003601972.1).